The following is an entry in ClinVar:

NM_007294.4(BRCA1):c.5278-10C>G

Gene: BRCA1 (BRCA1 DNA repair associated; minus strand). Cytogenetic location: 17q21.31.
Variant type: single nucleotide variant.
Coding change: c.5278-10C>G on transcript NM_007294.4 (MANE Select); 10 bases into the intron before coding-DNA position 5278, C replaced by G.
Molecular consequence: intron variant.
Genome position (GRCh38, 1-based): chr17:43,051,127, G>C on the plus strand (C>G on the coding strand, the complement: BRCA1 is on the minus strand). VCF-style: chr17-43051127-G-C. GRCh37 (hg19) VCF-style: chr17-41203144-G-C.
Other names: c.1825-10C>G (NM_001408458.1, NM_001408461.1, NM_001408464.1 and 7 more transcripts); c.4387-10C>G (NM_001407967.1); c.4897-10C>G (NM_001407959.1); c.5011-10C>G (NM_001407931.1, NM_001407932.1, NM_001407928.1 and 4 more transcripts); c.5134-10C>G (NM_001407747.1, NM_001407745.1, NM_001407737.1 and 21 more transcripts); c.4894-10C>G (NM_001407962.1, NM_001407960.1); c.1465-10C>G (NM_001408512.1); c.1588-10C>G (NM_001408510.1); and 74 more.
Identifiers: ClinVar variation 865253 (VCV000865253.3), dbSNP rs2051216895, ClinGen allele CA916081069.
Genomic context (GRCh38, chr17:43,051,127, plus strand): 5'-GGGCATGTTGGTGAAGGGCCCATAGCAACAGATTTCTAGCCCCCTGAAGATCTGGAAGAA[G>C]AGAGGAAGAGAGAGGGACAGGGGAATGGAGAGAAGGAAAATCTAGTTATAAAAGAATATT-3'

Conditions:
Breast-ovarian cancer, familial, susceptibility to, 1 (BROVCA1). Also called: BRCA1 Hereditary Breast and Ovarian Cancer; OVARIAN CANCER, SUSCEPTIBILITY TO. Identifiers: Orphanet 145, MedGen C2676676, MONDO:0011450, OMIM 604370. Disease mechanism: loss of function.

Submission:

Brotman Baty Institute, University of Washington
No classification provided (evidence only). Condition: Breast-ovarian cancer, familial 1. Review status: no classification provided. Collection method: in vitro. Allele origin: not applicable. Functional consequence: functionally_normal.
ClinVar note: "not provided" was previously submitted as the classification for the variant. However, the classification appeared to be based only on an observation of functional data so it was converted to no classification on 2025-07-30.